The following is an entry in ClinVar:

NM_002691.4(POLD1):c.1932C>G (p.Asp644Glu)

Gene: POLD1 (DNA polymerase delta 1, catalytic subunit; plus strand). Cytogenetic location: 19q13.33.
Variant type: single nucleotide variant.
Coding change: c.1932C>G on transcript NM_002691.4 (MANE Select); coding-DNA position 1932, C replaced by G.
Protein change: p.Asp644Glu; replaces aspartic acid 644 with glutamic acid.
Molecular consequence: missense variant. On other transcripts: non-coding transcript variant (1).
Genome position (GRCh38, 1-based): chr19:50,409,161, C>G. VCF-style: chr19-50409161-C-G. GRCh37 (hg19) VCF-style: chr19-50912418-C-G.
Other names: c.1932C>G, p.Asp644Glu (NM_001256849.1); c.2010C>G, p.Asp670Glu (NM_001308632.1); c.1932C>G (NM_002691.2); short protein forms D644E, D670E.
Identifiers: ClinVar variation 239260 (VCV000239260.46), dbSNP rs80214209, ClinGen allele CA9596332.

ClinVar aggregate classification (germline): Benign/Likely benign. Review status: criteria provided, multiple submitters, no conflicts (2 of 4 stars). 11 submissions from 11 submitters: Benign (5); Likely benign (5). 1 of the submissions does not count toward it. Last evaluated 2026-02-03.

Conditions:
Hereditary cancer-predisposing syndrome. Also called: Tumor predisposition; Hereditary Cancer Syndrome; Neoplastic Syndromes, Hereditary; Hereditary neoplastic syndrome. Identifiers: Orphanet 140162, MedGen C0027672, MeSH D009386, MONDO:0015356.
POLD1-related polyposis and colorectal cancer syndrome (CRCS10). Also called: Colorectal cancer 10; COLORECTAL CANCER, SUSCEPTIBILITY TO, ON CHROMOSOME 19q; Colorectal cancer, susceptibility to, 10. Identifiers: Orphanet 220460, MedGen C2675481, MONDO:0012953, OMIM 612591.

Allele frequency attached by ClinVar (database versions not stated): gnomAD 0.00041; TOPMed 0.00051; 1000 Genomes Project 30x 0.00265; 1000 Genomes Project 0.00319.
gnomAD v4.1: 411 of 1,613,634 alleles (0.025%); highest among the groups gnomAD compares: East Asian, 0.79%; 3 homozygotes.

Submissions (11):

Labcorp Genetics (formerly Invitae), Labcorp
Classification: Benign for POLD1-related polyposis and colorectal cancer syndrome. Last evaluated: 2026-02-03. Review status: criteria provided, single submitter. Criteria: Invitae Variant Classification Sherloc (09022015). Collection method: clinical testing. Allele origin: germline.

ARUP Laboratories, Molecular Genetics and Genomics, ARUP Laboratories
Classification: Likely benign. Last evaluated: 2025-05-28. Review status: criteria provided, single submitter. Criteria: ARUP Molecular Germline Variant Investigation Process 2024. Collection method: clinical testing. Allele origin: germline.

Center for Genomic Medicine, Rigshospitalet, Copenhagen University Hospital
Classification: Benign. Last evaluated: 2025-03-04. Review status: criteria provided, single submitter. Criteria: ACMG Guidelines, 2015. Collection method: clinical testing. Allele origin: germline.

Ambry Genetics
Classification: Benign for Hereditary cancer-predisposing syndrome. Last evaluated: 2024-10-28. Review status: criteria provided, single submitter. Criteria: Ambry Variant Classification Scheme 2023. Collection method: clinical testing. Allele origin: germline.

Blueprint Genetics
Classification: Likely benign. Last evaluated: 2024-10-03. Review status: criteria provided, single submitter. Criteria: ACMG Guidelines, 2015. Collection method: clinical testing. Allele origin: germline.

CeGaT Center for Human Genetics Tuebingen
Classification: Likely benign. Last evaluated: 2024-06-01. Review status: criteria provided, single submitter. Criteria: CeGaT Center For Human Genetics Tuebingen Variant Classification Criteria Version 2. Collection method: clinical testing. Allele origin: germline. Affected: yes. Observed: 1 variant allele.
Comment: POLD1: BS1

KCCC/NGS Laboratory, Kuwait Cancer Control Center
Classification: Benign for POLD1-related polyposis and colorectal cancer syndrome. Last evaluated: 2023-07-07. Review status: criteria provided, single submitter. Criteria: ACMG Guidelines, 2015. Collection method: clinical testing. Allele origin: germline. Affected: yes.

Women's Health and Genetics/Laboratory Corporation of America, LabCorp
Classification: Likely benign. Last evaluated: 2023-07-04. Review status: criteria provided, single submitter. Criteria: LabCorp Variant Classification Summary - May 2015. Collection method: clinical testing. Allele origin: germline.

GeneDx
Classification: Likely benign. Last evaluated: 2021-01-25. Review status: criteria provided, single submitter. Criteria: GeneDx Variant Classification Process June 2021. Collection method: clinical testing. Allele origin: germline. Affected: yes.
Comment: This variant is associated with the following publications: (PMID: 28944914)

Quest Diagnostics Nichols Institute San Juan Capistrano
Classification: Benign. Last evaluated: 2017-11-22. Review status: criteria provided, single submitter. Criteria: Quest Diagnostics criteria. Collection method: clinical testing. Allele origin: unknown.

Department of Pathology and Laboratory Medicine, Sinai Health System
Classification: Benign. Review status: no assertion criteria provided. Collection method: clinical testing. Allele origin: unknown. Affected: yes. Observed: 1 variant allele. Study: The Canadian Open Genetics Repository (COGR). Not counted in ClinVar's aggregate classification.
Comment: The POLD1 p.Asp644Glu variant was identified in the literature in a case report in a patient with Hutchinson-Gilford progeria syndrome (Duan 2016). The variant was also identified in dbSNP (ID: rs80214209) as "With Likely benign allele", and in ClinVar database (classified as benign by Invitae; as likely benign by GeneDx and one clinical laboratory). The variant was not identified in Cosmic, or MutDB databases. The variant was identified in control databases in 204 of 276956 chromosomes (2 homozygous) at a frequency of 0.0007 increasing the likelihood this could be a low frequency benign variant (Genome Aggregation Database Feb 27, 2017). The variant was observed in the following populations: Other in 3 of 6458 chromosomes (freq: 0.0005), Latino in 1 of 34414 chromosomes (freq: 0.00003), East Asian in 192 of 18864 chromosomes (freq: 0.01), and South Asian in 8 of 30780 chromosomes (freq: 0.0003), while the variant was not observed in the African, European, Ashkenazi Jewish, or Finnish populations. The p.Asp644 residue is conserved in mammals but not in more distantly related organisms however four out of five computational analyses (PolyPhen-2, SIFT, AlignGVGD, BLOSUM, MutationTaster) do not suggest a high likelihood of impact to the protein; this information is not predictive enough to rule out pathogenicity. The variant occurs outside of the splicing consensus sequence and in silico or computational prediction software programs (SpliceSiteFinder, MaxEntScan, NNSPLICE, GeneSplicer) do not predict a difference in splicing. In summary, based on the above information this variant meets our laboratory's criteria to be classified as benign.